The following is an entry in ClinVar:

ClinVar aggregate classification (germline): Uncertain significance (1 of 4 stars; one submission).

Conditions:
Combined oxidative phosphorylation defect type 24. Also called: Combined oxidative phosphorylation deficiency 24. Identifiers: Orphanet 444458, MedGen C4015643, MONDO:0014547, OMIM 616239.
Hearing loss, autosomal recessive 94. Also called: Deafness, autosomal recessive 94. Identifiers: MedGen C5193096, MONDO:0032749, OMIM 618434.

gnomAD v4.1: 5 of 1,613,916 alleles (0.00031%); highest among the groups gnomAD compares: Non-Finnish European, 0.00042%; no homozygotes.

Submission:

Juno Genomics, Hangzhou Juno Genomics, Inc
Classification: Uncertain significance for Hearing loss, autosomal recessive 94; Combined oxidative phosphorylation defect type 24. Review status: criteria provided, single submitter. Criteria: ACMG Guidelines, 2015. Collection method: clinical testing. Allele origin: germline.
Comment: Absent from controls (or at extremely low frequency if recessive) in Genome Aggregation Database.;Multiple lines of computational evidence support a deleterious effect on the gene or gene product.

NM_024678.6(NARS2):c.1304G>A (p.Arg435His)

Gene: NARS2 (asparaginyl-tRNA synthetase 2, mitochondrial; minus strand). Cytogenetic location: 11q14.1.
Variant type: single nucleotide variant.
Coding change: c.1304G>A on transcript NM_024678.6 (MANE Select); coding-DNA position 1304, G replaced by A.
Protein change: p.Arg435His; replaces arginine 435 with histidine.
Molecular consequence: missense variant. On other transcripts: 3 prime UTR variant (1), non-coding transcript variant (4).
Genome position (GRCh38, 1-based): chr11:78,436,800, C>T on the plus strand (G>A on the coding strand, the complement: NARS2 is on the minus strand). VCF-style: chr11-78436800-C-T. GRCh37 (hg19) VCF-style: chr11-78147846-C-T.
Other names: c.623G>A, p.Arg208His (NM_001243251.2, NM_001425312.1, NM_001425313.1); c.1427G>A, p.Arg476His (NM_001425299.1); c.1277G>A, p.Arg426His (NM_001425300.1); c.1232G>A, p.Arg411His (NM_001425301.1); c.1223G>A, p.Arg408His (NM_001425302.1); c.1196G>A, p.Arg399His (NM_001425303.1); c.1166G>A, p.Arg389His (NM_001425304.1); c.*1167G>A (NM_001425305.1); and 7 more; short protein forms R218H, R408H, R411H, R199H, R249H, R345H, R359H, R435H.
Identifiers: ClinVar variation 5004999 (VCV005004999.2).
Genomic context (GRCh38, chr11:78,436,800, plus strand): 5'-CACTGCAGGTAGCGTTCAAATCCCATCCCAAAACCTCCATGTGGCACAGATCCAAATCGA[C>T]GAAGGTCCAGATACCTGTTTTTCAAAAATAGAAAATCATCATCTATATATAGTATAAGAC-3'
Protein context (NP_078954.4, residues 425-445): TEVYQWYLDL[Arg435His]RFGSVPHGGF